The following is an entry in ClinVar:

ClinVar aggregate classification (germline): Conflicting classifications of pathogenicity. Review status: criteria provided, conflicting classifications (1 of 4 stars). 4 submissions from 4 submitters: Pathogenic (1); Uncertain significance (2); Likely benign (1). Last evaluated 2026-08-26.

Allele frequency attached by ClinVar (database versions not stated): ExAC 0.00002; gnomAD exomes 0.00002; TOPMed 0.00004; gnomAD 0.00005 and 0.00006; ESP Exome Variant Server 0.00008.

Submissions (4):

GeneDx
Classification: Pathogenic. Last evaluated: 2026-08-26. Review status: criteria provided, single submitter. Criteria: GeneDx Variant Classification Process June 2021. Collection method: clinical testing. Allele origin: germline.
Comment: In silico analysis supports that this missense variant has a deleterious effect on protein structure/function; Has not been previously published as pathogenic or benign to our knowledge

Labcorp Genetics (formerly Invitae), Labcorp
Classification: Likely benign. Last evaluated: 2025-09-13. Review status: criteria provided, single submitter. Criteria: Invitae Variant Classification Sherloc (09022015). Collection method: clinical testing. Allele origin: germline.

Women's Health and Genetics/Laboratory Corporation of America, LabCorp
Classification: Uncertain significance. Last evaluated: 2024-07-09. Review status: criteria provided, single submitter. Criteria: LabCorp Variant Classification Summary - May 2015. Collection method: clinical testing. Allele origin: germline.
Comment: Variant summary: TWNK c.1171C>T (p.Arg391Cys) results in a non-conservative amino acid change located in the DNA helicase, DnaB-like, C-terminal domain (IPR007694) of the encoded protein sequence. Four of five in-silico tools predict a damaging effect of the variant on protein function. The variant allele was found at a frequency of 2e-05 in 251392 control chromosomes. The available data on variant occurrences in the general population are insufficient to allow any conclusion about variant significance. To our knowledge, no occurrence of c.1171C>T in individuals affected with Infantile Onset Spinocerebellar Ataxia and no experimental evidence demonstrating its impact on protein function have been reported. ClinVar contains an entry for this variant (Variation ID: 1509790). Based on the evidence outlined above, the variant was classified as uncertain significance.

Blueprint Genetics
Classification: Uncertain significance. Last evaluated: 2024-07-01. Review status: criteria provided, single submitter. Criteria: ACMG Guidelines, 2015. Collection method: clinical testing. Allele origin: germline.

NM_021830.5(TWNK):c.1171C>T (p.Arg391Cys)

Gene: TWNK (twinkle mtDNA helicase; plus strand). Cytogenetic location: 10q24.31.
Variant type: single nucleotide variant.
Coding change: c.1171C>T on transcript NM_021830.5 (MANE Select); coding-DNA position 1171, C replaced by T.
Protein change: p.Arg391Cys; replaces arginine 391 with cysteine.
Molecular consequence: missense variant. On other transcripts: non-coding transcript variant (4), intron variant (3).
Genome position (GRCh38, 1-based): chr10:100,989,381, C>T. VCF-style: chr10-100989381-C-T. GRCh37 (hg19) VCF-style: chr10-102749138-C-T.
Other names: c.1171C>T (NM_021830.4); c.1171C>T, p.Arg391Cys (NM_001163812.2); c.-119-263C>T (NM_001163814.2, NM_001163813.2); c.-57-325C>T (NM_001368275.1); short protein forms R391C.
Identifiers: ClinVar variation 1509790 (VCV001509790.10), dbSNP rs370378906, ClinGen allele CA5653170.
Genomic context (GRCh38, chr10:100,989,381, plus strand): 5'-CGGCAGCTTCGGGAGGAGGTGCTAGGAGAACTGTCAAATGTGGAGCAAGCAGCTGGCCTC[C>T]GCTGGAGCCGCTTTCCAGACCTCAATCGTATCTTGAAGGGACATCGAAAGGGCGAGCTGA-3'
Protein context (NP_068602.2, residues 381-401): LSNVEQAAGL[Arg391Cys]WSRFPDLNRI